The following is an entry in ClinVar:

NM_024426.6(WT1):c.215A>T (p.Gln72Leu)

Genes: WT1 (WT1 transcription factor; minus strand), LOC107982234 (WT1/WT1-AS bi-directional promoter region; plus strand). Cytogenetic location: 11p13.
Variant type: single nucleotide variant.
Coding change: c.215A>T on transcript NM_024426.6 (MANE Select); coding-DNA position 215, A replaced by T.
Protein change: p.Gln72Leu; replaces glutamine 72 with leucine.
Molecular consequence: missense variant. On other transcripts: non-coding transcript variant (1).
Genome position (GRCh38, 1-based): chr11:32,435,146, T>A on the plus strand (A>T on the coding strand, the complement: WT1 is on the minus strand). VCF-style: chr11-32435146-T-A. GRCh37 (hg19) VCF-style: chr11-32456692-T-A.
Other names: c.215A>T, p.Gln72Leu (NM_000378.6, NM_024424.5); c.200A>T (NM_024426.4); short protein forms Q72L.
Identifiers: ClinVar variation 1057531 (VCV001057531.10), dbSNP rs2133106001, ClinGen allele CA379966143.

ClinVar aggregate classification (germline): Uncertain significance. Review status: criteria provided, multiple submitters, no conflicts (2 of 4 stars). 2 submissions from 2 submitters: Uncertain significance (2). Last evaluated 2025-07-02.

Conditions:
Frasier syndrome. Identifiers: Orphanet 347, MedGen C0950122, MeSH D052159, MONDO:0007635, OMIM 136680.
Wilms tumor 1 (WT1). Also called: Wilms tumor, somatic. Identifiers: Orphanet 654, MedGen CN033288, MONDO:0008679, OMIM 194070.
11p partial monosomy syndrome (WAGR). Also called: WAGR Complex; CHROMOSOME 11p13 DELETION SYNDROME; WAGR syndrome; WAGR Spectrum Disorder. Identifiers: Orphanet 893, MedGen C0206115, MONDO:0008681, OMIM 194072.
Drash syndrome (DDS). Also called: NEPHROPATHY, WILMS TUMOR, AND GENITAL ANOMALIES; WILMS TUMOR AND PSEUDO- OR TRUE HERMAPHRODITISM. Identifiers: Orphanet 220, MedGen C0950121, MONDO:0008682, OMIM 194080.
Inborn genetic diseases. Identifiers: MedGen C0950123, MeSH D030342.

Allele frequency attached by ClinVar (database versions not stated): gnomAD exomes below 0.00001.
gnomAD v4.1: 1 of 1,520,776 alleles (0.000066%); highest among the groups gnomAD compares: Non-Finnish European, 0.000088%; no homozygotes.

Submissions (2):

Ambry Genetics
Classification: Uncertain significance for Inborn genetic diseases. Last evaluated: 2025-07-02. Review status: criteria provided, single submitter. Criteria: Ambry Variant Classification Scheme 2023. Collection method: clinical testing. Allele origin: germline.
Comment: The p.Q67L variant (also known as c.200A>T), located in coding exon 1 of the WT1 gene, results from an A to T substitution at nucleotide position 200. The glutamine at codon 67 is replaced by leucine, an amino acid with dissimilar properties. This amino acid position is conserved. In addition, this alteration is predicted to be tolerated by in silico analysis. Based on the available evidence, the clinical significance of this variant remains unclear.

Labcorp Genetics (formerly Invitae), Labcorp
Classification: Uncertain significance for Wilms tumor 1; Drash syndrome; 11p partial monosomy syndrome; Frasier syndrome. Last evaluated: 2023-08-04. Review status: criteria provided, single submitter. Criteria: Invitae Variant Classification Sherloc (09022015). Collection method: clinical testing. Allele origin: germline.
Comment: ClinVar contains an entry for this variant (Variation ID: 1057531). An algorithm developed to predict the effect of missense changes on protein structure and function (PolyPhen-2) suggests that this variant is likely to be tolerated. In summary, the available evidence is currently insufficient to determine the role of this variant in disease. Therefore, it has been classified as a Variant of Uncertain Significance. This sequence change replaces glutamine, which is neutral and polar, with leucine, which is neutral and non-polar, at codon 67 of the WT1 protein (p.Gln67Leu). This variant is not present in population databases (gnomAD no frequency). This variant has not been reported in the literature in individuals affected with WT1-related conditions.